The following is an entry in ClinVar:

NM_000088.4(COL1A1):c.679G>A (p.Gly227Arg)

Gene: COL1A1 (collagen type I alpha 1 chain; minus strand). Cytogenetic location: 17q21.33.
Variant type: single nucleotide variant.
Coding change: c.679G>A on transcript NM_000088.4 (MANE Select); coding-DNA position 679, G replaced by A.
Protein change: p.Gly227Arg; replaces glycine 227 with arginine.
Molecular consequence: missense variant.
Genome position (GRCh38, 1-based): chr17:50,197,749, C>T on the plus strand (G>A on the coding strand, the complement: COL1A1 is on the minus strand). VCF-style: chr17-50197749-C-T. GRCh37 (hg19) VCF-style: chr17-48275110-C-T.
Other names: short protein forms G227R.
Identifiers: ClinVar variation 575472 (VCV000575472.10), dbSNP rs1567763007, ClinGen allele CA400224628.
Genomic context (GRCh38, chr17:50,197,749, plus strand): 5'-AGGCCATGGGGTCAGATGGTATCTTCTTGCTGGGGATACTTACATCATCTCCATTCTTTC[C>T]AGGGGGACCTGGGGGACCTCGGGGACCCATGGGACCCTAGAAAAGATAGAAGAGGTGGTT-3'
Protein context (NP_000079.2, residues 217-237): MGPRGPPGPP[Gly227Arg]KNGDDGEAGK

ClinVar aggregate classification (germline): Likely pathogenic. Review status: criteria provided, multiple submitters, no conflicts (2 of 4 stars). 2 submissions from 2 submitters: Likely pathogenic (2). Last evaluated 2025-04-27.

Conditions:
Osteogenesis imperfecta type I (OI1). Also called: Lobstein disease; Osteogenesis imperfecta type 1; OI, TYPE I; OSTEOGENESIS IMPERFECTA TARDA; OSTEOGENESIS IMPERFECTA WITH BLUE SCLERAE; Lobstein's Disease. Identifiers: Orphanet 216796, Orphanet 666, MedGen C0023931, MONDO:0008146, OMIM 166200. Disease mechanism: loss of function.

Submissions (2):

GeneDx
Classification: Likely pathogenic. Last evaluated: 2025-04-27. Review status: criteria provided, single submitter. Criteria: GeneDx Variant Classification Process June 2021. Collection method: clinical testing. Allele origin: germline. Affected: yes.
Comment: Occurs in the triple helical domain and replaces a glycine in a canonical Gly-X-Y repeat; missense substitution of a canonical glycine residue is expected to disrupt normal protein folding and function, and this is an established mechanism of disease (PMID: 34007986); Not observed at significant frequency in large population cohorts (gnomAD); In silico analysis supports that this missense variant has a deleterious effect on protein structure/function; Has not been previously published as pathogenic or benign to our knowledge; This variant is associated with the following publications: (PMID: 34007986)

Labcorp Genetics (formerly Invitae), Labcorp
Classification: Likely pathogenic for Osteogenesis imperfecta type I. Last evaluated: 2023-10-09. Review status: criteria provided, single submitter. Criteria: Invitae Variant Classification Sherloc (09022015). Collection method: clinical testing. Allele origin: germline.
Comment: This sequence change replaces glycine, which is neutral and non-polar, with arginine, which is basic and polar, at codon 227 of the COL1A1 protein (p.Gly227Arg). This variant is not present in population databases (gnomAD no frequency). This variant has not been reported in the literature in individuals affected with COL1A1-related conditions. ClinVar contains an entry for this variant (Variation ID: 575472). Advanced modeling of protein sequence and biophysical properties (such as structural, functional, and spatial information, amino acid conservation, physicochemical variation, residue mobility, and thermodynamic stability) performed at Invitae indicates that this missense variant is expected to disrupt COL1A1 protein function. This variant disrupts the triple helix domain of COL1A1. Glycine residues within the Gly-Xaa-Yaa repeats of the triple helix domain are required for the structure and stability of fibrillar collagens (PMID: 7695699, 8218237, 19344236). In COL1A1, variants affecting these glycine residues are significantly enriched in individuals with disease (PMID: 9016532, 17078022) compared to the general population (ExAC). In summary, the currently available evidence indicates that the variant is pathogenic, but additional data are needed to prove that conclusively. Therefore, this variant has been classified as Likely Pathogenic.

Literature cited by the submitters: PubMed 7695699 (cited by Labcorp Genetics (formerly Invitae), Labcorp); PubMed 8218237 (cited by Labcorp Genetics (formerly Invitae), Labcorp); PubMed 19344236 (cited by Labcorp Genetics (formerly Invitae), Labcorp); PubMed 9016532 (cited by Labcorp Genetics (formerly Invitae), Labcorp); PubMed 17078022 (cited by Labcorp Genetics (formerly Invitae), Labcorp).